The following is an entry in ClinVar:

ClinVar aggregate classification (germline): Benign/Likely benign. Review status: criteria provided, multiple submitters, no conflicts (2 of 4 stars). 12 submissions from 12 submitters: Benign (4); Likely benign (7). 1 of the submissions does not count toward it. Last evaluated 2026-01-14.

Conditions:
CDH1-related diffuse gastric and lobular breast cancer syndrome. Also called: CDH1-related diffuse gastric and lobular breast cancer. Identifiers: MedGen CN311521, MONDO:0100488.
Hereditary cancer-predisposing syndrome. Also called: Tumor predisposition; Neoplastic Syndromes, Hereditary; Hereditary neoplastic syndrome; Hereditary Cancer Syndrome. Identifiers: Orphanet 140162, MedGen C0027672, MeSH D009386, MONDO:0015356.
Hereditary diffuse gastric adenocarcinoma (HDGC). Also called: DIFFUSE GASTRIC AND LOBULAR BREAST CANCER SYNDROME. Identifiers: Orphanet 26106, MedGen C1708349, MONDO:0007648, OMIM 137215.

Allele frequency attached by ClinVar (database versions not stated): gnomAD 0.00001; TOPMed 0.00002; ExAC 0.00003; gnomAD exomes 0.00005 and 0.00007.
gnomAD v4.1: 76 of 1,613,852 alleles (0.0047%); highest among the groups gnomAD compares: South Asian, 0.014%; 1 homozygote.

Submissions (12):

Labcorp Genetics (formerly Invitae), Labcorp
Classification: Likely benign for Hereditary diffuse gastric adenocarcinoma. Last evaluated: 2026-01-14. Review status: criteria provided, single submitter. Criteria: Invitae Variant Classification Sherloc (09022015). Collection method: clinical testing. Allele origin: germline.

Quest Diagnostics Nichols Institute San Juan Capistrano
Classification: Benign. Last evaluated: 2025-04-24. Review status: criteria provided, single submitter. Criteria: Quest Diagnostics criteria. Collection method: clinical testing. Allele origin: unknown.

Women's Health and Genetics/Laboratory Corporation of America, LabCorp
Classification: Benign. Last evaluated: 2025-03-21. Review status: criteria provided, single submitter. Criteria: LabCorp Variant Classification Summary - May 2015. Collection method: clinical testing. Allele origin: germline.

Blueprint Genetics
Classification: Likely benign. Last evaluated: 2024-09-03. Review status: criteria provided, single submitter. Criteria: ACMG Guidelines, 2015. Collection method: clinical testing. Allele origin: germline.

Myriad Genetics, Inc.
Classification: Benign for Hereditary diffuse gastric adenocarcinoma. Last evaluated: 2023-03-06. Review status: criteria provided, single submitter. Criteria: Myriad Autosomal Dominant, Autosomal Recessive and X-Linked Classification Criteria (2023). Collection method: clinical testing. Allele origin: unknown.
Comment: This variant is considered benign. This variant is a silent/synonymous amino acid change and it is not expected to impact splicing.

GeneDx
Classification: Likely benign. Last evaluated: 2021-01-26. Review status: criteria provided, single submitter. Criteria: GeneDx Variant Classification Process June 2021. Collection method: clinical testing. Allele origin: germline. Affected: yes.

Sema4
Classification: Likely benign for Hereditary cancer-predisposing syndrome. Last evaluated: 2020-07-15. Review status: criteria provided, single submitter. Criteria: Sema4 Curation Guidelines. Collection method: curation. Allele origin: germline.

Department of Pathology and Laboratory Medicine, Sinai Health System
Classification: Likely benign for CDH1-related diffuse gastric and lobular breast cancer syndrome. Last evaluated: 2019-11-04. Review status: criteria provided, single submitter. Criteria: ACMG Guidelines, 2015. Collection method: clinical testing. Allele origin: germline. Affected: yes.

Illumina Laboratory Services, Illumina
Classification: Benign for Hereditary diffuse gastric adenocarcinoma. Last evaluated: 2018-01-13. Review status: criteria provided, single submitter. Criteria: ICSL Variant Classification Criteria 13 December 2019. Collection method: clinical testing. Allele origin: germline.
Comment: This variant was observed in the ICSL laboratory as part of a predisposition screen in an ostensibly healthy population. It had not been previously curated by ICSL or reported in the Human Gene Mutation Database (HGMD: prior to June 1st, 2018), and was therefore a candidate for classification through an automated scoring system. Utilizing variant allele frequency, disease prevalence and penetrance estimates, and inheritance mode, an automated score was calculated to assess if this variant is too frequent to cause the disease. Based on the score and internal cut-off values, a variant classified as benign is not then subjected to further curation. The score for this variant resulted in a classification of benign for this disease.

Color Diagnostics, LLC DBA Color Health
Classification: Likely benign for Hereditary cancer-predisposing syndrome. Last evaluated: 2016-05-29. Review status: criteria provided, single submitter. Criteria: ACMG Guidelines, 2015. Collection method: clinical testing. Allele origin: germline.

Ambry Genetics
Classification: Likely benign for Hereditary cancer-predisposing syndrome. Last evaluated: 2014-10-15. Review status: criteria provided, single submitter. Criteria: Ambry Variant Classification Scheme 2023. Collection method: clinical testing. Allele origin: germline.

Counsyl
Classification: Likely benign for Hereditary diffuse gastric adenocarcinoma. Last evaluated: 2015-12-01. Review status: no assertion criteria provided. Collection method: clinical testing. Allele origin: unknown. Not counted in ClinVar's aggregate classification.

Literature cited by the submitters: PubMed 37932340 (cited by Quest Diagnostics Nichols Institute San Juan Capistrano).

NM_004360.5(CDH1):c.867G>A (p.Ala289=)

Gene: CDH1 (cadherin 1; plus strand). Cytogenetic location: 16q22.1.
Variant type: single nucleotide variant.
Coding change: c.867G>A on transcript NM_004360.5 (MANE Select); coding-DNA position 867, G replaced by A.
Protein change: p.Ala289=; no amino-acid change (alanine 289 retained).
Molecular consequence: synonymous variant. On other transcripts: 5 prime UTR variant (2).
Genome position (GRCh38, 1-based): chr16:68,811,718, G>A. VCF-style: chr16-68811718-G-A. GRCh37 (hg19) VCF-style: chr16-68845621-G-A.
Other names: c.867G>A (LRG_301t1); c.867G>A, p.Ala289= (NM_001317184.2); c.-749G>A (NM_001317185.2); c.-953G>A (NM_001317186.2).
Identifiers: ClinVar variation 183900 (VCV000183900.32), dbSNP rs754143182, ClinGen allele CA186908.